The following is an entry in ClinVar:

NM_144997.7(FLCN):c.882G>C (p.Glu294Asp)

Gene: FLCN (folliculin; minus strand). Cytogenetic location: 17p11.2.
Variant type: single nucleotide variant.
Coding change: c.882G>C on transcript NM_144997.7 (MANE Select); coding-DNA position 882, G replaced by C.
Protein change: p.Glu294Asp; replaces glutamic acid 294 with aspartic acid.
Molecular consequence: missense variant.
Genome position (GRCh38, 1-based): chr17:17,219,199, C>G on the plus strand (G>C on the coding strand, the complement: FLCN is on the minus strand). VCF-style: chr17-17219199-C-G. GRCh37 (hg19) VCF-style: chr17-17122513-C-G.
Other names: c.936G>C, p.Glu312Asp (NM_001353229.2); c.882G>C, p.Glu294Asp (NM_001353230.2, NM_001353231.2); short protein forms E312D, E294D.
Identifiers: ClinVar variation 2194449 (VCV002194449.5), dbSNP rs1555608661, ClinGen allele CA398533095.

ClinVar aggregate classification (germline): Uncertain significance. Review status: criteria provided, multiple submitters, no conflicts (2 of 4 stars). 2 submissions from 2 submitters: Uncertain significance (2). Last evaluated 2025-04-06.

Conditions:
Hereditary cancer-predisposing syndrome. Also called: Neoplastic Syndromes, Hereditary; Hereditary Cancer Syndrome; Hereditary neoplastic syndrome; Tumor predisposition. Identifiers: Orphanet 140162, MedGen C0027672, MeSH D009386, MONDO:0015356.
Birt-Hogg-Dube syndrome. Also called: Birt Hogg Dubé syndrome. Identifiers: Orphanet 122, MedGen C0346010, MONDO:0800444.

Submissions (2):

Ambry Genetics
Classification: Uncertain significance for Hereditary cancer-predisposing syndrome. Last evaluated: 2025-04-06. Review status: criteria provided, single submitter. Criteria: Ambry Variant Classification Scheme 2023. Collection method: clinical testing. Allele origin: germline.
Comment: The p.E294D variant (also known as c.882G>C), located in coding exon 6 of the FLCN gene, results from a G to C substitution at nucleotide position 882. The glutamic acid at codon 294 is replaced by aspartic acid, an amino acid with highly similar properties. This amino acid position is conserved. In addition, the in silico prediction for this alteration is inconclusive. Based on the available evidence, the clinical significance of this variant remains unclear.

Labcorp Genetics (formerly Invitae), Labcorp
Classification: Uncertain significance for Birt-Hogg-Dube syndrome. Last evaluated: 2024-01-02. Review status: criteria provided, single submitter. Criteria: Invitae Variant Classification Sherloc (09022015). Collection method: clinical testing. Allele origin: germline.
Comment: This sequence change replaces glutamic acid, which is acidic and polar, with aspartic acid, which is acidic and polar, at codon 294 of the FLCN protein (p.Glu294Asp). This variant is not present in population databases (gnomAD no frequency). This variant has not been reported in the literature in individuals affected with FLCN-related conditions. ClinVar contains an entry for this variant (Variation ID: 2194449). Advanced modeling of protein sequence and biophysical properties (such as structural, functional, and spatial information, amino acid conservation, physicochemical variation, residue mobility, and thermodynamic stability) performed at Invitae indicates that this missense variant is not expected to disrupt FLCN protein function with a negative predictive value of 80%. In summary, the available evidence is currently insufficient to determine the role of this variant in disease. Therefore, it has been classified as a Variant of Uncertain Significance.